The following is an entry in ClinVar:

ClinVar aggregate classification (germline): Uncertain significance (1 of 4 stars; one submission).

Submission:

Ambry Genetics
Classification: Uncertain significance. Last evaluated: 2025-03-28. Review status: criteria provided, single submitter. Criteria: Ambry Variant Classification Scheme 2023. Collection method: clinical testing. Allele origin: germline.
Comment: The p.C834S variant (also known as c.2500T>A), located in coding exon 1 of the TET2 gene, results from a T to A substitution at nucleotide position 2500. The cysteine at codon 834 is replaced by serine, an amino acid with dissimilar properties. This amino acid position is conserved. In addition, this alteration is predicted to be tolerated by in silico analysis. Based on the available evidence, the clinical significance of this variant remains unclear.

NM_001127208.3(TET2):c.2500T>A (p.Cys834Ser)

Genes: TET2 (tet methylcytosine dioxygenase 2; plus strand), TET2-AS1 (TET2 antisense RNA 1; minus strand). Cytogenetic location: 4q24.
Variant type: single nucleotide variant.
Coding change: c.2500T>A on transcript NM_001127208.3 (MANE Select); coding-DNA position 2500, T replaced by A.
Protein change: p.Cys834Ser; replaces cysteine 834 with serine.
Molecular consequence: missense variant.
Genome position (GRCh38, 1-based): chr4:105,236,442, T>A. VCF-style: chr4-105236442-T-A. GRCh37 (hg19) VCF-style: chr4-106157599-T-A.
Other names: c.2500T>A, p.Cys834Ser (NM_017628.4); short protein forms C834S.
Identifiers: ClinVar variation 3967500 (VCV003967500.1).
Genomic context (GRCh38, chr4:105,236,442, plus strand): 5'-CGTAGAAATTCCCCTTATAGTCAGACCATGAAATCAAGTGCATGCAAAATACAGGTTTCT[T>A]GTTCAAACAATACACACCTAGTTTCAGAGAATAAAGAACAGACTACACATCCTGAACTTT-3'
Protein context (NP_001120680.1, residues 824-844): KSSACKIQVS[Cys834Ser]SNNTHLVSEN